The following is an entry in ClinVar:

ClinVar aggregate classification (germline): Likely pathogenic (1 of 4 stars; one submission).

Submission:

Athena Diagnostics
Classification: Likely pathogenic. Last evaluated: 2024-01-19. Review status: criteria provided, single submitter. Criteria: Athena Diagnostics Criteria. Collection method: clinical testing. Allele origin: unknown.
Comment: This variant is expected to result in the loss of a functional protein. This variant has not been reported in large, multi-ethnic general populations.

NM_016729.3(FOLR1):c.134_143del (p.Glu45fs)

Genes: FOLR1 (folate receptor alpha; plus strand), FOLR1-AS1 (FOLR1 antisense RNA 1; minus strand). Cytogenetic location: 11q13.4.
Variant type: Deletion.
Coding change: c.134_143del on transcript NM_016729.3 (MANE Select); coding-DNA positions 134 to 143, 10 bases deleted (AAAAGCCAGG; older notation c.134_143delAAAAGCCAGG).
Protein change: p.Glu45fs; shifts the reading frame from glutamic acid 45.
Molecular consequence: frameshift variant.
Genome position (GRCh38, 1-based): chr11:72,192,307-72,192,316, AAAAGCCAGG deleted; deleting any 10 consecutive bases within chr11:72,192,304-72,192,316 gives the same sequence; the c. name uses the placement nearest the transcript's 3' end. VCF-style (leftmost placement, unchanged base first): chr11-72192303-AAGGAAAAGCC-A. GRCh37 (hg19) VCF-style: chr11-71903347-AAGGAAAAGCC-A.
Other names: c.134_143del, p.Glu45fs (NM_000802.3, NM_016724.3, NM_016725.3); short protein forms E45fs.
Identifiers: ClinVar variation 3571466 (VCV003571466.1).